The following is an entry in ClinVar:

NM_018896.5(CACNA1G):c.1001C>A (p.Ala334Asp)

Gene: CACNA1G (calcium voltage-gated channel subunit alpha1 G; plus strand). Cytogenetic location: 17q21.33.
Variant type: single nucleotide variant.
Coding change: c.1001C>A on transcript NM_018896.5 (MANE Select); coding-DNA position 1001, C replaced by A.
Protein change: p.Ala334Asp; replaces alanine 334 with aspartic acid.
Molecular consequence: missense variant. On other transcripts: non-coding transcript variant (5).
Genome position (GRCh38, 1-based): chr17:50,572,808, C>A. VCF-style: chr17-50572808-C-A. GRCh37 (hg19) VCF-style: chr17-48650169-C-A.
Other names: c.1001C>A, p.Ala334Asp (NM_001256324.2, NM_001256325.2, NM_001256326.2 and 24 more transcripts); short protein forms A334D.
Identifiers: ClinVar variation 2086545 (VCV002086545.4), dbSNP rs2544801016, ClinGen allele CA400232527.

ClinVar aggregate classification (germline): Uncertain significance (1 of 4 stars; one submission).

Submission:

Labcorp Genetics (formerly Invitae), Labcorp
Classification: Uncertain significance. Last evaluated: 2022-05-21. Review status: criteria provided, single submitter. Criteria: Invitae Variant Classification Sherloc (09022015). Collection method: clinical testing. Allele origin: germline.
Comment: In summary, the available evidence is currently insufficient to determine the role of this variant in disease. Therefore, it has been classified as a Variant of Uncertain Significance. Advanced modeling of protein sequence and biophysical properties (such as structural, functional, and spatial information, amino acid conservation, physicochemical variation, residue mobility, and thermodynamic stability) performed at Invitae indicates that this missense variant is expected to disrupt CACNA1G protein function. This variant has not been reported in the literature in individuals affected with CACNA1G-related conditions. This variant is not present in population databases (gnomAD no frequency). This sequence change replaces alanine, which is neutral and non-polar, with aspartic acid, which is acidic and polar, at codon 334 of the CACNA1G protein (p.Ala334Asp).